The following is an entry in ClinVar:

NM_005689.4(ABCB6):c.404G>T (p.Arg135Leu)

Gene: ABCB6 (ATP binding cassette subfamily B member 6 (LAN blood group); minus strand). Cytogenetic location: 2q35.
Variant type: single nucleotide variant.
Coding change: c.404G>T on transcript NM_005689.4 (MANE Select); coding-DNA position 404, G replaced by T.
Protein change: p.Arg135Leu; replaces arginine 135 with leucine.
Molecular consequence: missense variant.
Genome position (GRCh38, 1-based): chr2:219,218,270, C>A on the plus strand (G>T on the coding strand, the complement: ABCB6 is on the minus strand). VCF-style: chr2-219218270-C-A. GRCh37 (hg19) VCF-style: chr2-220082992-C-A.
Other names: c.404G>T, p.Arg135Leu (NM_001349828.2); short protein forms R135L.
Identifiers: ClinVar variation 1802086 (VCV001802086.1), dbSNP rs1489999228, ClinGen allele CA350644158.

ClinVar aggregate classification (germline): Uncertain significance (1 of 4 stars; one submission).

Allele frequency attached by ClinVar (database versions not stated): TOPMed 0.00002.

Submission:

GeneDx
Classification: Uncertain significance. Last evaluated: 2022-06-03. Review status: criteria provided, single submitter. Criteria: GeneDx Variant Classification Process June 2021. Collection method: clinical testing. Allele origin: germline. Affected: yes.
Comment: Not observed at significant frequency in large population cohorts (gnomAD); In silico analysis supports that this missense variant does not alter protein structure/function; Has not been previously published as pathogenic or benign to our knowledge